The following is an entry in ClinVar:

ClinVar aggregate classification (germline): Uncertain significance (1 of 4 stars; one submission).

Conditions:
Idiopathic generalized epilepsy. Also called: Generalised epilepsy; EIG. Identifiers: MedGen C0270850, MONDO:0005579, OMIM 600669.
Hyperaldosteronism, familial, type IV (HALD4). Also called: FH IV; ALDOSTERONISM, PRIMARY, AND HYPERTENSION. Identifiers: Orphanet 642671, MedGen C4310756, MONDO:0014875, OMIM 617027.

Allele frequency attached by ClinVar (database versions not stated): TOPMed below 0.00001.

Submission:

Labcorp Genetics (formerly Invitae), Labcorp
Classification: Uncertain significance for Idiopathic generalized epilepsy; Hyperaldosteronism, familial, type IV. Last evaluated: 2023-03-24. Review status: criteria provided, single submitter. Criteria: Invitae Variant Classification Sherloc (09022015). Collection method: clinical testing. Allele origin: germline.
Comment: This sequence change replaces valine, which is neutral and non-polar, with methionine, which is neutral and non-polar, at codon 1844 of the CACNA1H protein (p.Val1844Met). This variant is not present in population databases (gnomAD no frequency). This variant has not been reported in the literature in individuals affected with CACNA1H-related conditions. Advanced modeling of protein sequence and biophysical properties (such as structural, functional, and spatial information, amino acid conservation, physicochemical variation, residue mobility, and thermodynamic stability) has been performed at Invitae for this missense variant, however the output from this modeling did not meet the statistical confidence thresholds required to predict the impact of this variant on CACNA1H protein function. In summary, the available evidence is currently insufficient to determine the role of this variant in disease. Therefore, it has been classified as a Variant of Uncertain Significance.

NM_021098.3(CACNA1H):c.5530G>A (p.Val1844Met)

Gene: CACNA1H (calcium voltage-gated channel subunit alpha1 H; plus strand). Cytogenetic location: 16p13.3.
Variant type: single nucleotide variant.
Coding change: c.5530G>A on transcript NM_021098.3 (MANE Select); coding-DNA position 5530, G replaced by A.
Protein change: p.Val1844Met; replaces valine 1844 with methionine.
Molecular consequence: missense variant.
Genome position (GRCh38, 1-based): chr16:1,218,294, G>A. VCF-style: chr16-1218294-G-A. GRCh37 (hg19) VCF-style: chr16-1268294-G-A.
Other names: c.5512G>A, p.Val1838Met (NM_001005407.2); short protein forms V1838M, V1844M.
Identifiers: ClinVar variation 2927378 (VCV002927378.3), dbSNP rs1430660026, ClinGen allele CA394147369.